The following is an entry in ClinVar:

NM_001256545.2(MEGF10):c.3182A>G (p.Tyr1061Cys)

Gene: MEGF10 (multiple EGF like domains 10; plus strand). Cytogenetic location: 5q23.2.
Variant type: single nucleotide variant.
Coding change: c.3182A>G on transcript NM_001256545.2 (MANE Select); coding-DNA position 3182, A replaced by G.
Protein change: p.Tyr1061Cys; replaces tyrosine 1061 with cysteine.
Molecular consequence: missense variant.
Genome position (GRCh38, 1-based): chr5:127,455,557, A>G. VCF-style: chr5-127455557-A-G. GRCh37 (hg19) VCF-style: chr5-126791249-A-G.
Other names: c.3182A>G, p.Tyr1061Cys (NM_032446.3); short protein forms Y1061C.
Identifiers: ClinVar variation 1418392 (VCV001418392.6), dbSNP rs2127046001, ClinGen allele CA360717320.

ClinVar aggregate classification (germline): Uncertain significance (1 of 4 stars; one submission).

Conditions:
MEGF10-related myopathy (CMYO10A). Also called: Congenital myopathy 10A, severe variant. Identifiers: Orphanet 439212, MedGen C3280679, MONDO:0013731, OMIM 614399.

Submission:

Labcorp Genetics (formerly Invitae), Labcorp
Classification: Uncertain significance for MEGF10-related myopathy. Last evaluated: 2025-10-02. Review status: criteria provided, single submitter. Criteria: Invitae Variant Classification Sherloc (09022015). Collection method: clinical testing. Allele origin: germline.
Comment: This sequence change replaces tyrosine, which is neutral and polar, with cysteine, which is neutral and slightly polar, at codon 1061 of the MEGF10 protein (p.Tyr1061Cys). This variant is not present in population databases (gnomAD no frequency). This variant has not been reported in the literature in individuals affected with MEGF10-related conditions. ClinVar contains an entry for this variant (Variation ID: 1418392). An algorithm developed to predict the effect of missense changes on protein structure and function (PolyPhen-2) suggests that this variant is likely to be disruptive. In summary, the available evidence is currently insufficient to determine the role of this variant in disease. Therefore, it has been classified as a Variant of Uncertain Significance.